The following is an entry in ClinVar:

NM_000528.4(MAN2B1):c.1714G>T (p.Ala572Ser)

Gene: MAN2B1 (mannosidase alpha class 2B member 1; minus strand). Cytogenetic location: 19p13.13.
Variant type: single nucleotide variant.
Coding change: c.1714G>T on transcript NM_000528.4 (MANE Select); coding-DNA position 1714, G replaced by T.
Protein change: p.Ala572Ser; replaces alanine 572 with serine.
Molecular consequence: missense variant.
Genome position (GRCh38, 1-based): chr19:12,655,810, C>A on the plus strand (G>T on the coding strand, the complement: MAN2B1 is on the minus strand). VCF-style: chr19-12655810-C-A. GRCh37 (hg19) VCF-style: chr19-12766624-C-A.
Other names: c.1714G>T (NM_000528.3); c.1711G>T, p.Ala571Ser (NM_001173498.2); short protein forms A571S, A572S.
Identifiers: ClinVar variation 1415869 (VCV001415869.6), dbSNP rs377104016, ClinGen allele CA9226337.

ClinVar aggregate classification (germline): Conflicting classifications of pathogenicity. Review status: criteria provided, conflicting classifications (1 of 4 stars). 3 submissions from 3 submitters: Uncertain significance (2); Likely benign (1). Last evaluated 2024-09-20.

Conditions:
Deficiency of alpha-mannosidase (MANSA). Also called: Alpha-Mannosidosis; LYSOSOMAL ALPHA-D-MANNOSIDASE DEFICIENCY; Mannosidosis, alpha-, types I and II. Identifiers: Orphanet 61, MedGen C0024748, MONDO:0009561, OMIM 248500.
Inborn genetic diseases. Identifiers: MedGen C0950123, MeSH D030342.

Allele frequency attached by ClinVar (database versions not stated): ESP Exome Variant Server 0.00023; 1000 Genomes Project 30x 0.00031; 1000 Genomes Project 0.00040.

Submissions (4):

3billion
Classification: Likely benign for Deficiency of alpha-mannosidase. Last evaluated: 2024-09-20. Review status: criteria provided, single submitter. Criteria: ACMG Guidelines, 2015. Collection method: clinical testing. Allele origin: germline. Affected: no.
Comment: The homozygous variant was found in patients diagnosed with another variant in a different gene, with no symptoms related to the gene containing the homozygous variant.

Ambry Genetics
Classification: Uncertain significance for Inborn genetic diseases. Last evaluated: 2024-09-09. Review status: criteria provided, single submitter. Criteria: Ambry Variant Classification Scheme 2023. Collection method: clinical testing. Allele origin: germline.

Labcorp Genetics (formerly Invitae), Labcorp
Classification: Uncertain significance for Deficiency of alpha-mannosidase. Last evaluated: 2022-07-12. Review status: criteria provided, single submitter. Criteria: Invitae Variant Classification Sherloc (09022015). Collection method: clinical testing. Allele origin: germline.
Comment: This sequence change replaces alanine, which is neutral and non-polar, with serine, which is neutral and polar, at codon 572 of the MAN2B1 protein (p.Ala572Ser). This variant is present in population databases (rs377104016, gnomAD 0.03%). This variant has not been reported in the literature in individuals affected with MAN2B1-related conditions. ClinVar contains an entry for this variant (Variation ID: 1415869). Algorithms developed to predict the effect of missense changes on protein structure and function are either unavailable or do not agree on the potential impact of this missense change (SIFT: "Tolerated"; PolyPhen-2: "Possibly Damaging"; Align-GVGD: "Class C0"). In summary, the available evidence is currently insufficient to determine the role of this variant in disease. Therefore, it has been classified as a Variant of Uncertain Significance.

Dr. Peter K. Rogan Lab, Western University
No classification provided (evidence only). Condition: Familial cancer of breast. Review status: no classification provided. Collection method: in vitro. Allele origin: not applicable. Functional consequence: retained intron. Not counted in ClinVar's aggregate classification.